The following is an entry in ClinVar:

ClinVar aggregate classification (germline): Likely benign. Review status: criteria provided, multiple submitters, no conflicts (2 of 4 stars). 5 submissions from 5 submitters: Likely benign (5). Last evaluated 2025-11-21.

Conditions:
RET-related disorder. Also called: RET-related condition; RET-related disease; RET-related disorders.
Hereditary cancer-predisposing syndrome. Also called: Neoplastic Syndromes, Hereditary; Hereditary neoplastic syndrome; Hereditary Cancer Syndrome; Tumor predisposition. Identifiers: Orphanet 140162, MedGen C0027672, MeSH D009386, MONDO:0015356.
Multiple endocrine neoplasia, type 2 (MEN2). Identifiers: Orphanet 653, MedGen C4048306, MONDO:0019003. Disease mechanism: gain of function.

Allele frequency attached by ClinVar (database versions not stated): gnomAD 0.00001; TOPMed 0.00001; ExAC 0.00006; ESP Exome Variant Server 0.00008.
gnomAD v4.1: 24 of 1,613,976 alleles (0.0015%); highest among the groups gnomAD compares: East Asian, 0.0045%; no homozygotes.

Submissions (5):

Labcorp Genetics (formerly Invitae), Labcorp
Classification: Likely benign for Multiple endocrine neoplasia, type 2. Last evaluated: 2025-11-21. Review status: criteria provided, single submitter. Criteria: Invitae Variant Classification Sherloc (09022015). Collection method: clinical testing. Allele origin: germline.

PreventionGenetics, part of Exact Sciences
Classification: Likely benign for RET-related condition. Last evaluated: 2025-04-22. Review status: criteria provided, single submitter. Criteria: ACMG Guidelines, 2015. Collection method: clinical testing. Allele origin: germline.
Comment: This variant is classified as likely benign based on ACMG/AMP sequence variant interpretation guidelines (Richards et al. 2015 PMID: 25741868, with internal and published modifications).

Blueprint Genetics
Classification: Likely benign. Last evaluated: 2023-08-02. Review status: criteria provided, single submitter. Criteria: ACMG Guidelines, 2015. Collection method: clinical testing. Allele origin: germline.

Color Diagnostics, LLC DBA Color Health
Classification: Likely benign for Multiple endocrine neoplasia, type 2. Last evaluated: 2022-09-29. Review status: criteria provided, single submitter. Criteria: ACMG Guidelines, 2015. Collection method: clinical testing. Allele origin: germline.

Ambry Genetics
Classification: Likely benign for Hereditary cancer-predisposing syndrome. Last evaluated: 2021-02-17. Review status: criteria provided, single submitter. Criteria: Ambry Variant Classification Scheme 2023. Collection method: clinical testing. Allele origin: germline.

NM_020975.6(RET):c.2898C>T (p.Thr966=)

Gene: RET (ret proto-oncogene; plus strand). Cytogenetic location: 10q11.21.
Variant type: single nucleotide variant.
Coding change: c.2898C>T on transcript NM_020975.6 (MANE Select); coding-DNA position 2898, C replaced by T.
Protein change: p.Thr966=; no amino-acid change (threonine 966 retained).
Molecular consequence: synonymous variant.
Genome position (GRCh38, 1-based): chr10:43,123,767, C>T. VCF-style: chr10-43123767-C-T. GRCh37 (hg19) VCF-style: chr10-43619215-C-T.
Other names: c.2898C>T, p.Thr966= (NM_000323.2, NM_001406743.1, NM_001406744.1 and 4 more transcripts); c.2136C>T, p.Thr712= (NM_001355216.2); c.2769C>T, p.Thr923= (NM_001406761.1, NM_001406762.1, NM_001406764.1); c.2763C>T, p.Thr921= (NM_001406763.1, NM_001406765.1); c.2610C>T, p.Thr870= (NM_001406766.1, NM_001406767.1, NM_001406770.1); c.2634C>T, p.Thr878= (NM_001406768.1); c.2502C>T, p.Thr834= (NM_001406769.1, NM_001406772.1); c.2460C>T, p.Thr820= (NM_001406771.1, NM_001406773.1); and 10 more.
Identifiers: ClinVar variation 241353 (VCV000241353.17), dbSNP rs373693875, ClinGen allele CA041413.